The following is an entry in ClinVar:

NM_004370.6(COL12A1):c.6683G>A (p.Arg2228Gln)

Gene: COL12A1 (collagen type XII alpha 1 chain; minus strand). Cytogenetic location: 6q13.
Variant type: single nucleotide variant.
Coding change: c.6683G>A on transcript NM_004370.6 (MANE Select); coding-DNA position 6683, G replaced by A.
Protein change: p.Arg2228Gln; replaces arginine 2228 with glutamine.
Molecular consequence: missense variant.
Genome position (GRCh38, 1-based): chr6:75,124,296, C>T on the plus strand (G>A on the coding strand, the complement: COL12A1 is on the minus strand). VCF-style: chr6-75124296-C-T. GRCh37 (hg19) VCF-style: chr6-75834012-C-T.
Other names: c.3191G>A, p.Arg1064Gln (NM_080645.3); short protein forms R2228Q, R1064Q.
Identifiers: ClinVar variation 645265 (VCV000645265.10), dbSNP rs1253362145, ClinGen allele CA364728920.

ClinVar aggregate classification (germline): Uncertain significance. Review status: criteria provided, multiple submitters, no conflicts (2 of 4 stars). 2 submissions from 2 submitters: Uncertain significance (2). Last evaluated 2025-09-22.

Conditions:
Inborn genetic diseases. Identifiers: MedGen C0950123, MeSH D030342.
Ullrich congenital muscular dystrophy 2 (UCMD2). Identifiers: Orphanet 75840, MedGen C4225314, MONDO:0014654, OMIM 616470.
Bethlem myopathy 2 (BTHLM2). Identifiers: Orphanet 536516, Orphanet 610, MedGen C4225313, MONDO:0034022, OMIM 616471.

Allele frequency attached by ClinVar (database versions not stated): TOPMed 0.00001.
gnomAD v4.1: 8 of 1,613,652 alleles (0.0005%); highest among the groups gnomAD compares: South Asian, 0.0033%; no homozygotes.

Submissions (2):

Labcorp Genetics (formerly Invitae), Labcorp
Classification: Uncertain significance for Bethlem myopathy 2; Ullrich congenital muscular dystrophy 2. Last evaluated: 2025-09-22. Review status: criteria provided, single submitter. Criteria: Invitae Variant Classification Sherloc (09022015). Collection method: clinical testing. Allele origin: germline.
Comment: This sequence change replaces arginine, which is basic and polar, with glutamine, which is neutral and polar, at codon 2228 of the COL12A1 protein (p.Arg2228Gln). This variant is present in population databases (no rsID available, gnomAD 0.003%). This variant has not been reported in the literature in individuals affected with COL12A1-related conditions. ClinVar contains an entry for this variant (Variation ID: 645265). Invitae Evidence Modeling of protein sequence and biophysical properties (such as structural, functional, and spatial information, amino acid conservation, physicochemical variation, residue mobility, and thermodynamic stability) has been performed for this missense variant. However, the output from this modeling did not meet the statistical confidence thresholds required to predict the impact of this variant on COL12A1 protein function. In summary, the available evidence is currently insufficient to determine the role of this variant in disease. Therefore, it has been classified as a Variant of Uncertain Significance.

Ambry Genetics
Classification: Uncertain significance for Inborn genetic diseases. Last evaluated: 2025-07-01. Review status: criteria provided, single submitter. Criteria: Ambry Variant Classification Scheme 2023. Collection method: clinical testing. Allele origin: germline.